The following is an entry in ClinVar:

ClinVar aggregate classification (germline): Uncertain significance. Review status: criteria provided, multiple submitters, no conflicts (2 of 4 stars). 2 submissions from 2 submitters: Uncertain significance (2). Last evaluated 2026-01-01.

Conditions:
Permanent neonatal diabetes mellitus (PNDM). Identifiers: Orphanet 99885, MedGen C1833104, MONDO:0100164, MONDO:0011643. Disease mechanism: gain of function.
Kabuki syndrome. Also called: NIIKAWA-KUROKI SYNDROME; Kabuki make-up syndrome. Identifiers: Orphanet 2322, MedGen C0796004, MONDO:0016512.

Allele frequency attached by ClinVar (database versions not stated): gnomAD exomes below 0.00001.
gnomAD v4.1: 1 of 1,551,810 alleles (0.000064%); highest among the groups gnomAD compares: South Asian, 0.0012%; no homozygotes.

Submissions (2):

Genomic Medicine Center of Excellence, King Faisal Specialist Hospital and Research Centre
Classification: Uncertain significance for Permanent Neonatal Diabetes Mellitus. Last evaluated: 2026-01-01. Review status: criteria provided, single submitter. Criteria: ACMG Guidelines, 2015. Collection method: clinical testing. Allele origin: germline. Affected: yes.

Labcorp Genetics (formerly Invitae), Labcorp
Classification: Uncertain significance for Kabuki syndrome. Last evaluated: 2023-08-24. Review status: criteria provided, single submitter. Criteria: Invitae Variant Classification Sherloc (09022015). Collection method: clinical testing. Allele origin: germline.
Comment: In summary, the available evidence is currently insufficient to determine the role of this variant in disease. Therefore, it has been classified as a Variant of Uncertain Significance. Advanced modeling of protein sequence and biophysical properties (such as structural, functional, and spatial information, amino acid conservation, physicochemical variation, residue mobility, and thermodynamic stability) performed at Invitae indicates that this missense variant is not expected to disrupt KMT2D protein function. ClinVar contains an entry for this variant (Variation ID: 1475571). This variant has not been reported in the literature in individuals affected with KMT2D-related conditions. This variant is not present in population databases (gnomAD no frequency). This sequence change replaces glutamine, which is neutral and polar, with glutamic acid, which is acidic and polar, at codon 2796 of the KMT2D protein (p.Gln2796Glu).

NM_003482.4(KMT2D):c.8386C>G (p.Gln2796Glu)

Gene: KMT2D (lysine methyltransferase 2D; minus strand). Cytogenetic location: 12q13.12.
Variant type: single nucleotide variant.
Coding change: c.8386C>G on transcript NM_003482.4 (MANE Select); coding-DNA position 8386, C replaced by G.
Protein change: p.Gln2796Glu; replaces glutamine 2796 with glutamic acid.
Molecular consequence: missense variant.
Genome position (GRCh38, 1-based): chr12:49,038,970, G>C on the plus strand (C>G on the coding strand, the complement: KMT2D is on the minus strand). VCF-style: chr12-49038970-G-C. GRCh37 (hg19) VCF-style: chr12-49432753-G-C.
Other names: short protein forms Q2796E.
Identifiers: ClinVar variation 1475571 (VCV001475571.7), dbSNP rs1555191210, ClinGen allele CA384742435.
Genomic context (GRCh38, chr12:49,038,970, plus strand): 5'-GTTGCTGTTGCTGCTGTAAGGGCAGGGACCCAGGATAGGGTGCTCGCTGATAGAAAGCTT[G>C]GGAGCCTCCTACCAGTTGCCTGGAAGAATATACAGTAGTCAGTAGGATGAAATCAGATGA-3'
Protein context (NP_003473.3, residues 2786-2806): VNSRQLVGGS[Gln2796Glu]AFYQRAPYPG